The following is an entry in ClinVar:

NM_001395413.1(POR):c.985G>A (p.Ala329Thr)

Genes: POR (cytochrome p450 oxidoreductase; plus strand), LOC126860075 (CDK7 strongly-dependent group 2 enhancer GRCh37_chr7:75612087-75613286; plus strand). Cytogenetic location: 7q11.23.
Variant type: single nucleotide variant.
Coding change: c.985G>A on transcript NM_001395413.1 (MANE Select); coding-DNA position 985, G replaced by A.
Protein change: p.Ala329Thr; replaces alanine 329 with threonine.
Molecular consequence: missense variant.
Genome position (GRCh38, 1-based): chr7:75,983,784, G>A. VCF-style: chr7-75983784-G-A. GRCh37 (hg19) VCF-style: chr7-75613102-G-A.
Other names: c.994G>A (NM_000941.2); c.985G>A, p.Ala329Thr (NM_001367562.3, NM_001382657.2, NM_001382658.3 and 2 more transcripts); c.1039G>A, p.Ala347Thr (NM_001382655.3); short protein forms A329T, A347T.
Identifiers: ClinVar variation 1450872 (VCV001450872.6), dbSNP rs1469610345, ClinGen allele CA367749006.

ClinVar aggregate classification (germline): Uncertain significance. Review status: criteria provided, multiple submitters, no conflicts (2 of 4 stars). 2 submissions from 2 submitters: Uncertain significance (2). Last evaluated 2024-11-25.

Conditions:
Inborn genetic diseases. Identifiers: MedGen C0950123, MeSH D030342.
Congenital adrenal hyperplasia due to cytochrome P450 oxidoreductase deficiency. Also called: DISORDERED STEROIDOGENESIS DUE TO POR DEFICIENCY. Identifiers: Orphanet 95699, MedGen C1860042, MONDO:0013310, OMIM 613571.

Allele frequency attached by ClinVar (database versions not stated): gnomAD exomes 0.00001; TOPMed 0.00002.
gnomAD v4.1: 21 of 1,612,360 alleles (0.0013%); highest among the groups gnomAD compares: Non-Finnish European, 0.0018%; no homozygotes.

Submissions (2):

Ambry Genetics
Classification: Uncertain significance for Inborn genetic diseases. Last evaluated: 2024-11-25. Review status: criteria provided, single submitter. Criteria: Ambry Variant Classification Scheme 2023. Collection method: clinical testing. Allele origin: germline.

Labcorp Genetics (formerly Invitae), Labcorp
Classification: Uncertain significance for Congenital adrenal hyperplasia due to cytochrome P450 oxidoreductase deficiency. Last evaluated: 2024-02-24. Review status: criteria provided, single submitter. Criteria: Invitae Variant Classification Sherloc (09022015). Collection method: clinical testing. Allele origin: germline.
Comment: This sequence change replaces alanine, which is neutral and non-polar, with threonine, which is neutral and polar, at codon 332 of the POR protein (p.Ala332Thr). This variant is present in population databases (no rsID available, gnomAD 0.0009%). This variant has not been reported in the literature in individuals affected with POR-related conditions. ClinVar contains an entry for this variant (Variation ID: 1450872). Advanced modeling of protein sequence and biophysical properties (such as structural, functional, and spatial information, amino acid conservation, physicochemical variation, residue mobility, and thermodynamic stability) performed at Invitae indicates that this missense variant is not expected to disrupt POR protein function with a negative predictive value of 80%. In summary, the available evidence is currently insufficient to determine the role of this variant in disease. Therefore, it has been classified as a Variant of Uncertain Significance.